The following is an entry in ClinVar:

ClinVar aggregate classification (germline): Pathogenic/Likely pathogenic. Review status: criteria provided, multiple submitters, no conflicts (2 of 4 stars). 4 submissions from 4 submitters: Pathogenic (2); Likely pathogenic (2). Last evaluated 2024-12-03.

Conditions:
Cobalamin C disease. Also called: Methylmalonic aciduria with homocystinuria cblC type; Methylmalonic aciduria and homocystinuria, Vitamin B12-responsive; Vitamin B12 metabolic defect with combined deficiency of methylmalonyl-CoA mutase and homocysteine:methyltetrahydrofolate methyltransferase; methylmalonic aciduria and homocystinuria type cblC; Cobalamin-C methylmalonic acidemia and homocystinuria; Methylmalonic acidemia and homocystinuria cblC type. Identifiers: Orphanet 26, Orphanet 79282, MedGen C1848561, MONDO:0010184, OMIM 277400.

Submissions (4):

Natera, Inc.
Classification: Likely pathogenic for Methylmalonic aciduria and homocystinuria cblC type. Last evaluated: 2024-12-03. Review status: criteria provided, single submitter. Criteria: Natera Variant Classification Schema (03/2026). Collection method: clinical testing. Allele origin: germline.
Comment: The c.551_554dupCTAC variant in MMACHC is a frameshift variant predicted to shift the reading frame beginning at codon 186 and leads to a stop codon 4 codons downstream. This variant is expected to result in nonsense mediated decay, truncation, or a dysfunctional protein product. This variant is rare in the general population with a frequency below the threshold expected for the associated phenotype(s). This variant has been observed in one or more individuals affected with the associated recessive disease, as either homozygous or compound heterozygous with a second variant (PMID: 33473346). Given the available evidence, this variant is classified as Likely Pathogenic.

Fulgent Genetics
Classification: Likely pathogenic for Cobalamin C disease. Last evaluated: 2024-06-11. Review status: criteria provided, single submitter. Criteria: ACMG Guidelines, 2015. Collection method: clinical testing. Allele origin: germline.

Baylor Genetics
Classification: Pathogenic for Cobalamin C disease. Last evaluated: 2023-09-04. Review status: criteria provided, single submitter. Criteria: ACMG Guidelines, 2015. Collection method: clinical testing. Allele origin: unknown.

Labcorp Genetics (formerly Invitae), Labcorp
Classification: Pathogenic for Cobalamin C disease. Last evaluated: 2023-07-07. Review status: criteria provided, single submitter. Criteria: Invitae Variant Classification Sherloc (09022015). Collection method: clinical testing. Allele origin: germline.
Comment: For these reasons, this variant has been classified as Pathogenic. This variant disrupts a region of the MMACHC protein in which other variant(s) (p.Trp203*) have been determined to be pathogenic (PMID: 16311595, 20631720, 23954310, 27383490, 28327205). This suggests that this is a clinically significant region of the protein, and that variants that disrupt it are likely to be disease-causing. ClinVar contains an entry for this variant (Variation ID: 1076830). This premature translational stop signal has been observed in individual(s) with cobalamin C deficiency (PMID: 33473346). This variant is present in population databases (rs398124293, gnomAD 0.01%). This sequence change creates a premature translational stop signal (p.Arg186Tyrfs*4) in the MMACHC gene. While this is not anticipated to result in nonsense mediated decay, it is expected to disrupt the last 97 amino acid(s) of the MMACHC protein.

Literature cited by the submitters: PubMed 33473346 (cited by Natera, Inc. and Labcorp Genetics (formerly Invitae), Labcorp); PubMed 16311595 (cited by Labcorp Genetics (formerly Invitae), Labcorp); PubMed 20631720 (cited by Labcorp Genetics (formerly Invitae), Labcorp); PubMed 23954310 (cited by Labcorp Genetics (formerly Invitae), Labcorp); PubMed 27383490 (cited by Labcorp Genetics (formerly Invitae), Labcorp); PubMed 28327205 (cited by Labcorp Genetics (formerly Invitae), Labcorp).

NM_015506.3(MMACHC):c.551_554dup (p.Arg186fs)

Gene: MMACHC (metabolism of cobalamin associated C; plus strand). Cytogenetic location: 1p34.1.
Variant type: Duplication.
Coding change: c.551_554dup on transcript NM_015506.3 (MANE Select); coding-DNA positions 551 to 554, 4 bases duplicated (CTAC; older notation c.551_554dupCTAC).
Protein change: p.Arg186fs; shifts the reading frame from arginine 186.
Molecular consequence: frameshift variant.
Genome position (GRCh38, 1-based): chr1:45,508,917-45,508,920, CTAC duplicated; duplicating any 4 consecutive bases within chr1:45,508,914-45,508,920 gives the same sequence; the c. name uses the placement nearest the transcript's 3' end. VCF-style (leftmost placement, unchanged base first): chr1-45508913-G-GTACC. GRCh37 (hg19) VCF-style: chr1-45974585-G-GTACC.
Other names: c.551_554dupCTAC (NM_015506.2); c.380_383dup, p.Arg129fs (NM_001330540.2); short protein forms R129fs, R186fs.
Identifiers: ClinVar variation 1076830 (VCV001076830.13), dbSNP rs1553162934, ClinGen allele CA827785.